The following is an entry in ClinVar:

NM_001042492.3(NF1):c.3961G>A (p.Val1321Met)

Gene: NF1 (neurofibromin 1; plus strand). Cytogenetic location: 17q11.2.
Variant type: single nucleotide variant.
Coding change: c.3961G>A on transcript NM_001042492.3 (MANE Select); coding-DNA position 3961, G replaced by A.
Protein change: p.Val1321Met; replaces valine 1321 with methionine.
Molecular consequence: missense variant.
Genome position (GRCh38, 1-based): chr17:31,236,008, G>A. VCF-style: chr17-31236008-G-A. GRCh37 (hg19) VCF-style: chr17-29563026-G-A.
Other names: p.Val1321Met; c.3961G>A, p.Val1321Met (NM_000267.4); short protein forms V1321M.
Identifiers: ClinVar variation 3404639 (VCV003404639.4).
Genomic context (GRCh38, chr17:31,236,008, plus strand): 5'-CTGGATCCTTTATTACGAATTGTGATCACATCCTCTGATTGGCAACATGTTAGCTTTGAA[G>A]TGGATCCTACCAGGTTTGTCATCTTTTCACATAGAACCGCTGTTTTTTGTTTTTTTTTTT-3'
Protein context (NP_001035957.1, residues 1311-1331): SSDWQHVSFE[Val1321Met]DPTRLEPSES

ClinVar aggregate classification (germline): Uncertain significance. Review status: criteria provided, multiple submitters, no conflicts (2 of 4 stars). 3 submissions from 3 submitters: Uncertain significance (3). Last evaluated 2025-12-16.

Conditions:
Hereditary cancer-predisposing syndrome. Also called: Hereditary Cancer Syndrome; Hereditary neoplastic syndrome; Neoplastic Syndromes, Hereditary; Tumor predisposition. Identifiers: Orphanet 140162, MedGen C0027672, MeSH D009386, MONDO:0015356.
Cardiovascular phenotype. Identifiers: MedGen CN230736.
Neurofibromatosis, type 1 (NF1). Also called: NEUROFIBROMATOSIS, TYPE I, SOMATIC; Neurofibromatosis, type I; Peripheral type neurofibromatosis; VON RECKLINGHAUSEN DISEASE. Identifiers: Orphanet 636, MedGen C0027831, MONDO:0018975, OMIM 162200. Disease mechanism: loss of function.

gnomAD v4.1: 1 of 1,613,184 alleles (0.000062%); highest among the groups gnomAD compares: Non-Finnish European, 0.000085%; no homozygotes.

Submissions (3):

Mayo Clinic Laboratories, Mayo Clinic
Classification: Uncertain significance. Last evaluated: 2025-12-16. Review status: criteria provided, single submitter. Criteria: ACMG Guidelines, 2015. Collection method: clinical testing. Allele origin: germline. Observed: 1 variant allele.
Comment: PP3_moderate, PM2_supporting

Labcorp Genetics (formerly Invitae), Labcorp
Classification: Uncertain significance for Neurofibromatosis, type 1. Last evaluated: 2024-12-12. Review status: criteria provided, single submitter. Criteria: Invitae Variant Classification Sherloc (09022015). Collection method: clinical testing. Allele origin: germline.
Comment: This sequence change replaces valine, which is neutral and non-polar, with methionine, which is neutral and non-polar, at codon 1321 of the NF1 protein (p.Val1321Met). This variant is not present in population databases (gnomAD no frequency). This variant has not been reported in the literature in individuals affected with NF1-related conditions. Invitae Evidence Modeling of protein sequence and biophysical properties (such as structural, functional, and spatial information, amino acid conservation, physicochemical variation, residue mobility, and thermodynamic stability) indicates that this missense variant is expected to disrupt NF1 protein function with a positive predictive value of 95%. In summary, the available evidence is currently insufficient to determine the role of this variant in disease. Therefore, it has been classified as a Variant of Uncertain Significance.

Ambry Genetics
Classification: Uncertain significance for Cardiovascular phenotype; Hereditary cancer-predisposing syndrome. Last evaluated: 2024-07-06. Review status: criteria provided, single submitter. Criteria: Ambry Variant Classification Scheme 2023. Collection method: clinical testing. Allele origin: germline.
Comment: The p.V1321M variant (also known as c.3961G>A), located in coding exon 29 of the NF1 gene, results from a G to A substitution at nucleotide position 3961. The valine at codon 1321 is replaced by methionine, an amino acid with highly similar properties. This amino acid position is highly conserved in available vertebrate species. In addition, this alteration is predicted to be deleterious by in silico analysis. Based on the available evidence, the clinical significance of this variant remains unclear.